The following is an entry in ClinVar:

ClinVar aggregate classification (germline): Likely benign (1 of 4 stars; one submission).

Conditions:
TMEM67-related disorder. Also called: TMEM67-related disorders; TMEM67-related condition. Identifiers: MedGen CN239423.

gnomAD v4.1: 1 of 1,606,116 alleles (0.000062%); highest among the groups gnomAD compares: Admixed American, 0.0017%; no homozygotes.

Submission:

PreventionGenetics, part of Exact Sciences
Classification: Likely benign for TMEM67-related condition. Last evaluated: 2026-04-24. Review status: criteria provided, single submitter. Criteria: ACMG Guidelines, 2015. Collection method: clinical testing. Allele origin: germline.
Comment: This variant is classified as likely benign based on ACMG/AMP sequence variant interpretation guidelines (Richards et al. 2015 PMID: 25741868, with internal and published modifications).

NM_153704.6(TMEM67):c.2280A>G (p.Glu760=)

Gene: TMEM67 (transmembrane protein 67; plus strand). Cytogenetic location: 8q22.1.
Variant type: single nucleotide variant.
Coding change: c.2280A>G on transcript NM_153704.6 (MANE Select); coding-DNA position 2280, A replaced by G.
Protein change: p.Glu760=; no amino-acid change (glutamic acid 760 retained).
Molecular consequence: synonymous variant. On other transcripts: non-coding transcript variant (1).
Genome position (GRCh38, 1-based): chr8:93,803,642, A>G. VCF-style: chr8-93803642-A-G. GRCh37 (hg19) VCF-style: chr8-94815870-A-G.
Other names: c.2037A>G, p.Glu679= (NM_001142301.1).
Identifiers: ClinVar variation 4982291 (VCV004982291.1).